The following is an entry in ClinVar:

NM_173477.5(USH1G):c.566G>A (p.Arg189Gln)

Gene: USH1G (USH1 protein network component sans; minus strand). Cytogenetic location: 17q25.1.
Variant type: single nucleotide variant.
Coding change: c.566G>A on transcript NM_173477.5 (MANE Select); coding-DNA position 566, G replaced by A.
Protein change: p.Arg189Gln; replaces arginine 189 with glutamine.
Molecular consequence: missense variant.
Genome position (GRCh38, 1-based): chr17:74,920,270, C>T on the plus strand (G>A on the coding strand, the complement: USH1G is on the minus strand). VCF-style: chr17-74920270-C-T. GRCh37 (hg19) VCF-style: chr17-72916365-C-T.
Other names: c.257G>A, p.Arg86Gln (NM_001282489.3); short protein forms R189Q, R86Q.
Identifiers: ClinVar variation 48134 (VCV000048134.44), dbSNP rs201644674, ClinGen allele CA142660.

ClinVar aggregate classification (germline): Conflicting classifications of pathogenicity. Review status: criteria provided, conflicting classifications (1 of 4 stars). 9 submissions from 9 submitters: Uncertain significance (1); Benign (3); Likely benign (4). 1 of the submissions does not count toward it. Last evaluated 2026-01-28.

Conditions:
USH1G-related disorder. Also called: USH1G-related disorders; USH1G-related condition.
Usher syndrome type 1G. Also called: USHER SYNDROME, TYPE IG, MILD. Identifiers: Orphanet 231169, Orphanet 886, MedGen C1847089, MONDO:0011748, OMIM 606943.

Allele frequency attached by ClinVar (database versions not stated): 1000 Genomes Project 0.00060; 1000 Genomes Project 30x 0.00078; gnomAD 0.00125 and 0.00099; ESP Exome Variant Server 0.00132; gnomAD exomes 0.00212; ExAC 0.00225; TOPMed 0.00115.
gnomAD v4.1: 3,781 of 1,603,326 alleles (0.24%); highest among the groups gnomAD compares: South Asian, 0.83%; 24 homozygotes.

Submissions (9):

Labcorp Genetics (formerly Invitae), Labcorp
Classification: Likely benign. Last evaluated: 2026-01-28. Review status: criteria provided, single submitter. Criteria: Invitae Variant Classification Sherloc (09022015). Collection method: clinical testing. Allele origin: germline.

Blueprint Genetics
Classification: Likely benign. Last evaluated: 2024-11-27. Review status: criteria provided, single submitter. Criteria: ACMG Guidelines, 2015. Collection method: clinical testing. Allele origin: germline.

CeGaT Center for Human Genetics Tuebingen
Classification: Likely benign. Last evaluated: 2024-06-01. Review status: criteria provided, single submitter. Criteria: CeGaT Center For Human Genetics Tuebingen Variant Classification Criteria Version 2. Collection method: clinical testing. Allele origin: germline. Affected: yes. Observed: 1 variant allele.
Comment: USH1G: BP4, BS2

Mayo Clinic Laboratories, Mayo Clinic
Classification: Benign. Last evaluated: 2021-12-22. Review status: criteria provided, single submitter. Criteria: ACMG Guidelines, 2015. Collection method: clinical testing. Allele origin: germline. Observed: 2 variant alleles.
Comment: BA1

GeneDx
Classification: Benign. Last evaluated: 2018-07-31. Review status: criteria provided, single submitter. Criteria: GeneDx Variant Classification Process June 2021. Collection method: clinical testing. Allele origin: germline. Affected: yes.
Comment: This variant is associated with the following publications: (PMID: 28912962)

Illumina Laboratory Services, Illumina
Classification: Uncertain significance for Usher syndrome type 1G. Last evaluated: 2017-04-27. Review status: criteria provided, single submitter. Criteria: ICSL Variant Classification Criteria 13 December 2019. Collection method: clinical testing. Allele origin: germline.

Eurofins Ntd Llc (ga)
Classification: Likely benign. Last evaluated: 2015-09-22. Review status: criteria provided, single submitter. Criteria: EGL Classification Definitions 2015. Collection method: clinical testing. Allele origin: germline. Observed: 1 variant allele, 1 heterozygote.

Laboratory for Molecular Medicine, Mass General Brigham Personalized Medicine
Classification: Benign. Last evaluated: 2015-01-26. Review status: criteria provided, single submitter. Criteria: LMM Criteria. Collection method: clinical testing. Allele origin: germline. Observed: 11 variant alleles.
Comment: p.Arg189Gln in exon 2 of USH1G: This variant is not expected to have clinical si gnificance because it has been identified in 0.8% (137/16376) of South Asian chr omosomes and 0.2% (113/63034) of European chromosomes by the Exome Aggregation C onsortium (ExAC; dbSNP rs201644674).

PreventionGenetics, part of Exact Sciences
Classification: Benign for USH1G-related condition. Last evaluated: 2022-02-24. Review status: no assertion criteria provided. Collection method: clinical testing. Allele origin: germline. Not counted in ClinVar's aggregate classification.
Comment: This variant is classified as benign based on ACMG/AMP sequence variant interpretation guidelines (Richards et al. 2015 PMID: 25741868, with internal and published modifications).